The following is an entry in ClinVar:

NM_022051.3(EGLN1):c.*1880A>T

Gene: EGLN1 (egl-9 family hypoxia inducible factor 1; minus strand). Cytogenetic location: 1q42.2.
Variant type: single nucleotide variant.
Coding change: c.*1880A>T on transcript NM_022051.3 (MANE Select); 1880 bases downstream of the stop codon, A replaced by T.
Molecular consequence: 3 prime UTR variant.
Genome position (GRCh38, 1-based): chr1:231,364,531, T>A on the plus strand (A>T on the coding strand, the complement: EGLN1 is on the minus strand). VCF-style: chr1-231364531-T-A. GRCh37 (hg19) VCF-style: chr1-231500277-T-A.
Other names: c.*1941A>T (NM_001377260.1); c.*1986A>T (NM_001377261.1).
Identifiers: ClinVar variation 296153 (VCV000296153.5), dbSNP rs13239, ClinGen allele CA10609447.
Genomic context (GRCh38, chr1:231,364,531, plus strand): 5'-GAGGAAGTAGAACAAAACTGAATATGGGCGAGGAAAAAACAATAAACTATCACTTTCTCC[T>A]GCAAATTCTCCTAAGTGAGATCACTATACTGAACATTCAATCCCATCCTAAGTCCACTGT-3'

ClinVar aggregate classification (germline): Benign (1 of 4 stars; one submission).

Conditions:
Erythrocytosis, familial, 3 (ECYT3). Identifiers: Orphanet 247511, MedGen C1853286, MONDO:0012353, OMIM 609820.

Allele frequency attached by ClinVar (database versions not stated): gnomAD 0.03152 and 0.03362; TOPMed 0.03522; 1000 Genomes Project 0.04054; 1000 Genomes Project 30x 0.04325.

Submission:

Illumina Laboratory Services, Illumina
Classification: Benign for Erythrocytosis, familial, 3. Last evaluated: 2018-01-13. Review status: criteria provided, single submitter. Criteria: ICSL Variant Classification Criteria 13 December 2019. Collection method: clinical testing. Allele origin: germline.
Comment: This variant was observed in the ICSL laboratory as part of a predisposition screen in an ostensibly healthy population. It had not been previously curated by ICSL or reported in the Human Gene Mutation Database (HGMD: prior to June 1st, 2018), and was therefore a candidate for classification through an automated scoring system. Utilizing variant allele frequency, disease prevalence and penetrance estimates, and inheritance mode, an automated score was calculated to assess if this variant is too frequent to cause the disease. Based on the score and internal cut-off values, a variant classified as benign is not then subjected to further curation. The score for this variant resulted in a classification of benign for this disease.